The following is an entry in ClinVar:

ClinVar aggregate classification (germline): Conflicting classifications of pathogenicity. Review status: criteria provided, conflicting classifications (1 of 4 stars). 3 submissions from 3 submitters: Pathogenic (1); Likely pathogenic (1); Uncertain significance (1). Last evaluated 2025-05-06.

Conditions:
Cerebral arteriopathy, autosomal dominant, with subcortical infarcts and leukoencephalopathy, type 1 (CADASIL1). Also called: DEMENTIA, HEREDITARY MULTIINFARCT TYPE; Cerebral arteriopathy with subcortical infarcts and leukoencephalopathy 1; CADASIL 1; CASIL. Identifiers: Orphanet 136, MedGen C4551768, MONDO:0000914, OMIM 125310.

Allele frequency attached by ClinVar (database versions not stated): TOPMed below 0.00001.

Submissions (3):

ARUP Laboratories, Molecular Genetics and Genomics, ARUP Laboratories
Classification: Likely pathogenic. Last evaluated: 2025-05-06. Review status: criteria provided, single submitter. Criteria: ARUP Molecular Germline Variant Investigation Process 2024. Collection method: clinical testing. Allele origin: germline.
Comment: The NOTCH3 c.719G>A; p.Cys240Tyr variant (rs1599394351, ClinVar Variation ID: 810778) is reported in the literature in at least one individual affected with CADASIL (Chen 2017). This variant is absent from the Genome Aggregation Database (v2.1.1), indicating it is not a common polymorphism. Computational analyses predict that this variant is deleterious (REVEL: 0.954). Most pathogenic NOTCH3 variants occur in exons 2-24 and either create or destroy a cysteine residue within an EGF-like domain (Rutten 2014), and thus the p.Cys240Tyr variant is consistent with the predominant mechanism of disease in NOTCH3. Additionally, another variant at this codon (c.719G>C; p.Cys240Ser) has been reported in individuals with CADASIL (Opherk 2004, Wu 2023). Based on available information, the p.Cys240Tyr variant is considered to be likely pathogenic. References: Chen S et al. Clinical features and mutation spectrum in Chinese patients with CADASIL: A multicenter retrospective study. CNS Neurosci Ther. 2017 Sep;23(9):707-716. PMID: 28710804 Opherk C et al. Long-term prognosis and causes of death in CADASIL: a retrospective study in 411 patients. Brain. 2004 Nov;127(Pt 11):2533-9. PMID: 15364702 Rutten JW et al. Interpretation of NOTCH3 mutations in the diagnosis of CADASIL. Expert Rev Mol Diagn. 2014 Jun;14(5):593-603. PMID: 24844136 Wu C et al. The genetic and phenotypic spectra of adult genetic leukoencephalopathies in a cohort of 309 patients. Brain. 2023 Jun 1;146(6):2364-2376. PMID: 36380532.

Labcorp Genetics (formerly Invitae), Labcorp
Classification: Uncertain significance. Last evaluated: 2024-11-25. Review status: criteria provided, single submitter. Criteria: Invitae Variant Classification Sherloc (09022015). Collection method: clinical testing. Allele origin: germline.
Comment: This sequence change replaces cysteine, which is neutral and slightly polar, with tyrosine, which is neutral and polar, at codon 240 of the NOTCH3 protein (p.Cys240Tyr). This variant is not present in population databases (gnomAD no frequency). This missense change has been observed in individual(s) with CADASIL (PMID: 28710804). ClinVar contains an entry for this variant (Variation ID: 810778). Invitae Evidence Modeling of protein sequence and biophysical properties (such as structural, functional, and spatial information, amino acid conservation, physicochemical variation, residue mobility, and thermodynamic stability) indicates that this missense variant is expected to disrupt NOTCH3 protein function with a positive predictive value of 95%. In summary, the available evidence is currently insufficient to determine the role of this variant in disease. Therefore, it has been classified as a Variant of Uncertain Significance.

Athena Diagnostics
Classification: Pathogenic. Last evaluated: 2022-05-06. Review status: criteria provided, single submitter. Criteria: Athena Diagnostics Criteria. Collection method: clinical testing. Allele origin: unknown.
Comment: This variant has not been reported in large, multi-ethnic general populations. This variant has been identified in at least one individual with cerebral arteriopathy with subcortical infarcts and leukoencephalopathy (CADASIL). At least one other missense variant at this codon is considered to be pathogenic or likely pathogenic, suggesting this variant may also cause disease. This variant alters a critical location within the protein, and is expected to severely affect function and cause disease. Greater than 90% of pathogenic variants identified in NOTCH3 involve the gain or loss of a cysteine residue within the epidermal growth factor (EGF)-like repeat domain.

Literature cited by the submitters: PubMed 28710804 (cited by Labcorp Genetics (formerly Invitae), Labcorp).

NM_000435.3(NOTCH3):c.719G>A (p.Cys240Tyr)

Gene: NOTCH3 (notch receptor 3; minus strand). Cytogenetic location: 19p13.12.
Variant type: single nucleotide variant.
Coding change: c.719G>A on transcript NM_000435.3 (MANE Select); coding-DNA position 719, G replaced by A.
Protein change: p.Cys240Tyr; replaces cysteine 240 with tyrosine.
Molecular consequence: missense variant.
Genome position (GRCh38, 1-based): chr19:15,191,828, C>T on the plus strand (G>A on the coding strand, the complement: NOTCH3 is on the minus strand). VCF-style: chr19-15191828-C-T. GRCh37 (hg19) VCF-style: chr19-15302639-C-T.
Other names: short protein forms C240Y.
Identifiers: ClinVar variation 810778 (VCV000810778.19), dbSNP rs1599394351, ClinGen allele CA404532746.